The following is an entry in ClinVar:

ClinVar aggregate classification (germline): Uncertain significance (1 of 4 stars; one submission).

Conditions:
KSR2-related disorder. Also called: KSR2-related condition.

Submission:

PreventionGenetics, part of Exact Sciences
Classification: Uncertain significance for KSR2-related condition. Last evaluated: 2026-07-15. Review status: criteria provided, single submitter. Criteria: ACMG Guidelines, 2015. Collection method: clinical testing. Allele origin: germline.
Comment: The KSR2 c.1197T>G variant is predicted to result in the amino acid substitution p.Cys399Trp. To our knowledge, this variant has not been reported in the literature or in a large population database (gnomAD), indicating this variant is rare. At this time, the clinical significance of this variant is uncertain due to the absence of conclusive functional and genetic evidence.

NM_173598.6(KSR2):c.1284T>G (p.Cys428Trp)

Gene: KSR2 (kinase suppressor of ras 2; minus strand). Cytogenetic location: 12q24.22.
Variant type: single nucleotide variant.
Coding change: c.1284T>G on transcript NM_173598.6 (MANE Select); coding-DNA position 1284, T replaced by G.
Protein change: p.Cys428Trp; replaces cysteine 428 with tryptophan.
Molecular consequence: missense variant.
Genome position (GRCh38, 1-based): chr12:117,579,160, A>C on the plus strand (T>G on the coding strand, the complement: KSR2 is on the minus strand). VCF-style: chr12-117579160-A-C. GRCh37 (hg19) VCF-style: chr12-118016965-A-C.
Other names: short protein forms C428W.
Identifiers: ClinVar variation 4992863 (VCV004992863.1).